The following is an entry in ClinVar:

NM_015585.4(CFAP61):c.-37+87G>A

Genes: CFAP61 (cilia and flagella associated protein 61; plus strand), CRNKL1 (crooked neck pre-mRNA splicing factor 1; minus strand), LOC130065491 (ATAC-STARR-seq lymphoblastoid active region 17605; plus strand). Cytogenetic location: 20p11.23.
Variant type: single nucleotide variant.
Coding change: c.-37+87G>A on transcript NM_015585.4 (MANE Select); 87 bases into the intron after 37 bases upstream of the start codon, G replaced by A.
Molecular consequence: intron variant. On other transcripts: nonsense (2), 5 prime UTR variant (1).
Genome position (GRCh38, 1-based): chr20:20,052,678, G>A. VCF-style: chr20-20052678-G-A. GRCh37 (hg19) VCF-style: chr20-20033322-G-A.
Other names: c.112C>T, p.Gln38Ter (NM_001278625.2); c.-518C>T (NM_001278626.2); c.148C>T, p.Gln50Ter (NM_016652.6); c.-472-50C>T (NM_001278627.2); short protein forms Q38*, Q50*.
Identifiers: ClinVar variation 2652228 (VCV002652228.22), dbSNP rs74404969, ClinGen allele CA9781253.
Genomic context (GRCh38, chr20:20,052,678, plus strand): 5'-CGACGCAAGGACTGCGGTGCAGGGCGTCCAGGGCGCATCCCCAGGTCAGCCTCCGGAACT[G>A]GGATGACCAGGCGAGGACGAGTGGCTCTGTCGAGCCGTGGCGCCCTGCAAGGGAGTAAGA-3'

ClinVar aggregate classification (germline): Likely benign (1 of 4 stars; one submission).

Allele frequency attached by ClinVar (database versions not stated): 1000 Genomes Project 0.00220; gnomAD 0.00498; TOPMed 0.00525; ESP Exome Variant Server 0.00570; 1000 Genomes Project 30x 0.00234; ExAC 0.00495; gnomAD exomes 0.00721.
gnomAD v4.1: 11,181 of 1,612,988 alleles (0.69%); highest among the groups gnomAD compares: Middle Eastern, 0.97%; 54 homozygotes.

Submission:

CeGaT Center for Human Genetics Tuebingen
Classification: Likely benign. Last evaluated: 2026-05-01. Review status: criteria provided, single submitter. Criteria: CeGaT Center For Human Genetics Tuebingen Variant Classification Criteria Version 2. Collection method: clinical testing. Allele origin: germline. Affected: yes. Observed: 4 variant alleles.
Comment: CRNKL1: BS2; CFAP61: BS2